The following is an entry in ClinVar:

ClinVar aggregate classification (germline): Conflicting classifications of pathogenicity. Review status: criteria provided, conflicting classifications (1 of 4 stars). 3 submissions from 3 submitters: Uncertain significance (2); Likely benign (1). Last evaluated 2025-03-31.

Conditions:
Neurodevelopmental disorder with or without hyperkinetic movements and seizures, autosomal dominant. Also called: Intellectual disability, autosomal dominant 8. Identifiers: MedGen C3280282, MONDO:0013655, OMIM 614254.
Inborn genetic diseases. Identifiers: MedGen C0950123, MeSH D030342.

Allele frequency attached by ClinVar (database versions not stated): gnomAD exomes 0.00001; TOPMed 0.00001; ExAC 0.00003.
gnomAD v4.1: 14 of 1,610,410 alleles (0.00087%); highest among the groups gnomAD compares: South Asian, 0.0011%; no homozygotes.

Submissions (3):

Labcorp Genetics (formerly Invitae), Labcorp
Classification: Likely benign for Neurodevelopmental disorder with or without hyperkinetic movements and seizures, autosomal dominant. Last evaluated: 2025-03-31. Review status: criteria provided, single submitter. Criteria: Invitae Variant Classification Sherloc (09022015). Collection method: clinical testing. Allele origin: germline.

Ambry Genetics
Classification: Uncertain significance for Inborn genetic diseases. Last evaluated: 2024-08-01. Review status: criteria provided, single submitter. Criteria: Ambry Variant Classification Scheme 2023. Collection method: clinical testing. Allele origin: germline.

CeGaT Center for Human Genetics Tuebingen
Classification: Uncertain significance. Last evaluated: 2023-10-01. Review status: criteria provided, single submitter. Criteria: CeGaT Center For Human Genetics Tuebingen Variant Classification Criteria Version 2. Collection method: clinical testing. Allele origin: germline. Affected: yes. Observed: 1 variant allele.
Comment: GRIN1: PM2:Supporting, PP2, PP3

NM_007327.4(GRIN1):c.521G>A (p.Arg174Gln)

Gene: GRIN1 (glutamate ionotropic receptor NMDA type subunit 1; plus strand). Cytogenetic location: 9q34.3.
Variant type: single nucleotide variant.
Coding change: c.521G>A on transcript NM_007327.4 (MANE Select); coding-DNA position 521, G replaced by A.
Protein change: p.Arg174Gln; replaces arginine 174 with glutamine.
Molecular consequence: missense variant.
Genome position (GRCh38, 1-based): chr9:137,145,853, G>A. VCF-style: chr9-137145853-G-A. GRCh37 (hg19) VCF-style: chr9-140040305-G-A.
Other names: c.521G>A, p.Arg174Gln (NM_000832.7, NM_001185090.2, NM_001185091.2 and 1 more transcripts); c.521G>A (NM_007327.3); short protein forms R174Q.
Identifiers: ClinVar variation 2659807 (VCV002659807.28), dbSNP rs758521939, ClinGen allele CA5360669.